The following is an entry in ClinVar:

ClinVar aggregate classification (germline): Uncertain significance. Review status: criteria provided, multiple submitters, no conflicts (2 of 4 stars). 2 submissions from 2 submitters: Uncertain significance (2). Last evaluated 2025-02-04.

Conditions:
Hereditary cancer-predisposing syndrome. Also called: Neoplastic Syndromes, Hereditary; Tumor predisposition; Hereditary Cancer Syndrome; Hereditary neoplastic syndrome. Identifiers: Orphanet 140162, MedGen C0027672, MeSH D009386, MONDO:0015356.

gnomAD v4.1: 2 of 1,614,142 alleles (0.00012%); highest among the groups gnomAD compares: Non-Finnish European, 0.00017%; no homozygotes.

Submissions (2):

Ambry Genetics
Classification: Uncertain significance for Hereditary cancer-predisposing syndrome. Last evaluated: 2025-02-04. Review status: criteria provided, single submitter. Criteria: Ambry Variant Classification Scheme 2023. Collection method: clinical testing. Allele origin: germline.
Comment: The p.R1185P variant (also known as c.3554G>C), located in coding exon 23 of the RAD50 gene, results from a G to C substitution at nucleotide position 3554. The arginine at codon 1185 is replaced by proline, an amino acid with dissimilar properties. This amino acid position is highly conserved in available vertebrate species. In addition, this alteration is predicted to be deleterious by in silico analysis. Since supporting evidence is limited at this time, the clinical significance of this alteration remains unclear.

Labcorp Genetics (formerly Invitae), Labcorp
Classification: Uncertain significance for Hereditary cancer-predisposing syndrome. Last evaluated: 2022-06-29. Review status: criteria provided, single submitter. Criteria: Invitae Variant Classification Sherloc (09022015). Collection method: clinical testing. Allele origin: germline.
Comment: In summary, the available evidence is currently insufficient to determine the role of this variant in disease. Therefore, it has been classified as a Variant of Uncertain Significance. Algorithms developed to predict the effect of missense changes on protein structure and function are either unavailable or do not agree on the potential impact of this missense change (SIFT: "Deleterious"; PolyPhen-2: "Probably Damaging"; Align-GVGD: "Class C0"). ClinVar contains an entry for this variant (Variation ID: 484694). This variant has not been reported in the literature in individuals affected with RAD50-related conditions. This variant is not present in population databases (gnomAD no frequency). This sequence change replaces arginine, which is basic and polar, with proline, which is neutral and non-polar, at codon 1185 of the RAD50 protein (p.Arg1185Pro).

NM_005732.4(RAD50):c.3554G>C (p.Arg1185Pro)

Genes: RAD50 (RAD50 double strand break repair protein; plus strand), TH2-LCR (Th2 cytokine locus control region; plus strand), TH2LCRR (T helper type 2 locus control region associated RNA; minus strand). Cytogenetic location: 5q31.1.
Variant type: single nucleotide variant.
Coding change: c.3554G>C on transcript NM_005732.4 (MANE Select); coding-DNA position 3554, G replaced by C.
Protein change: p.Arg1185Pro; replaces arginine 1185 with proline.
Molecular consequence: missense variant. On other transcripts: non-coding transcript variant (3).
Genome position (GRCh38, 1-based): chr5:132,638,159, G>C. VCF-style: chr5-132638159-G-C. GRCh37 (hg19) VCF-style: chr5-131973851-G-C.
Other names: short protein forms R1185P.
Identifiers: ClinVar variation 484694 (VCV000484694.16), dbSNP rs747603489, ClinGen allele CA360931998.